The following is an entry in ClinVar:

NM_000660.7(TGFB1):c.945G>C (p.Lys315Asn)

Gene: TGFB1 (transforming growth factor beta 1; minus strand). Cytogenetic location: 19q13.2.
Variant type: single nucleotide variant.
Coding change: c.945G>C on transcript NM_000660.7 (MANE Select); coding-DNA position 945, G replaced by C.
Protein change: p.Lys315Asn; replaces lysine 315 with asparagine.
Molecular consequence: missense variant.
Genome position (GRCh38, 1-based): chr19:41,332,197, C>G on the plus strand (G>C on the coding strand, the complement: TGFB1 is on the minus strand). VCF-style: chr19-41332197-C-G. GRCh37 (hg19) VCF-style: chr19-41838102-C-G.
Other names: short protein forms K315N.
Identifiers: ClinVar variation 4690308 (VCV004690308.1).

ClinVar aggregate classification (germline): Uncertain significance (1 of 4 stars; one submission).

gnomAD v4.1: 3 of 1,614,052 alleles (0.00019%); highest among the groups gnomAD compares: Admixed American, 0.0017%; no homozygotes.

Submission:

Labcorp Genetics (formerly Invitae), Labcorp
Classification: Uncertain significance. Last evaluated: 2026-01-24. Review status: criteria provided, single submitter. Criteria: Invitae Variant Classification Sherloc (09022015). Collection method: clinical testing. Allele origin: germline.
Comment: This sequence change replaces lysine, which is basic and polar, with asparagine, which is neutral and polar, at codon 315 of the TGFB1 protein (p.Lys315Asn). This variant is present in population databases (rs766572720, gnomAD 0.0009%). This missense change has been observed in individual(s) with clinical features of TGFB1-related conditions (PMID: 35052464). Invitae Evidence Modeling of protein sequence and biophysical properties (such as structural, functional, and spatial information, amino acid conservation, physicochemical variation, residue mobility, and thermodynamic stability) indicates that this missense variant is not expected to disrupt TGFB1 protein function with a negative predictive value of 80%. In summary, the available evidence is currently insufficient to determine the role of this variant in disease. Therefore, it has been classified as a Variant of Uncertain Significance.

Literature cited by the submitters: PubMed 35052464.